The following is an entry in ClinVar:

ClinVar aggregate classification (germline): Uncertain significance (1 of 4 stars; one submission).

Conditions:
Inborn genetic diseases. Identifiers: MedGen C0950123, MeSH D030342.

Submission:

Ambry Genetics
Classification: Uncertain significance for Inborn genetic diseases. Last evaluated: 2026-05-26. Review status: criteria provided, single submitter. Criteria: Ambry Variant Classification Scheme 2023. Collection method: clinical testing. Allele origin: germline.
Comment: The c.704C>T (p.P235L) alteration is located in exon 1 (coding exon 1) of the CLDN5 gene. This alteration results from a C to T substitution at nucleotide position 704, causing the proline (P) at amino acid position 235 to be replaced by a leucine (L). Based on data from gnomAD, the T allele has an overall frequency of <0.001% (1/231418) total alleles studied. The highest observed frequency was 0.007% (1/14016) of African alleles. Based on insufficient or conflicting evidence, the clinical significance of this alteration remains unclear.

NM_001363066.2(CLDN5):c.449C>T (p.Pro150Leu)

Gene: CLDN5 (claudin 5; minus strand). Cytogenetic location: 22q11.21.
Variant type: single nucleotide variant.
Coding change: c.449C>T on transcript NM_001363066.2 (MANE Select); coding-DNA position 449, C replaced by T.
Protein change: p.Pro150Leu; replaces proline 150 with leucine.
Molecular consequence: missense variant.
Genome position (GRCh38, 1-based): chr22:19,523,807, G>A on the plus strand (C>T on the coding strand, the complement: CLDN5 is on the minus strand). VCF-style: chr22-19523807-G-A. GRCh37 (hg19) VCF-style: chr22-19511330-G-A.
Other names: c.704C>T, p.Pro235Leu (NM_001130861.1, NM_001363067.2, NM_003277.4); short protein forms P150L, P235L.
Identifiers: ClinVar variation 4869015 (VCV004869015.1).